The following is an entry in ClinVar:

ClinVar aggregate classification (germline): Conflicting classifications of pathogenicity. Review status: criteria provided, conflicting classifications (1 of 4 stars). 5 submissions from 5 submitters: Uncertain significance (2); Likely benign (1). 2 of the submissions do not count toward it. Last evaluated 2026-01-28.

Conditions:
Metachromatic leukodystrophy (MLD). Also called: ARSA DEFICIENCY; CEREBROSIDE SULFATASE DEFICIENCY; Cerebral sclerosis diffuse metachromatic form; Arylsulfatase A Deficiency; METACHROMATIC LEUKOENCEPHALOPATHY; SULFATIDE LIPIDOSIS. Identifiers: Orphanet 512, MedGen C0023522, MONDO:0018868, OMIM 250100.
Sphingolipid activator protein 1 deficiency. Also called: Saposin B Deficiency; METACHROMATIC LEUKODYSTROPHY DUE TO CEREBROSIDE SULFATASE ACTIVATOR DEFICIENCY; Metachromatic leukodystrophy due to saposin B deficiency. Identifiers: Orphanet 512, MedGen C0268262, MONDO:0009590, OMIM 249900.
PSAP-related disorder. Also called: PSAP-related condition.

Allele frequency attached by ClinVar (database versions not stated): gnomAD 0.00008 and 0.00009; gnomAD exomes 0.00013 and 0.00064; 1000 Genomes Project 0.00020; 1000 Genomes Project 30x 0.00031; TOPMed 0.00036; ExAC 0.00056.
gnomAD v4.1: 197 of 1,614,166 alleles (0.012%); highest among the groups gnomAD compares: Admixed American, 0.32%; no homozygotes.

Submissions (5):

Labcorp Genetics (formerly Invitae), Labcorp
Classification: Likely benign for Sphingolipid activator protein 1 deficiency. Last evaluated: 2026-01-28. Review status: criteria provided, single submitter. Criteria: Invitae Variant Classification Sherloc (09022015). Collection method: clinical testing. Allele origin: germline.

GeneDx
Classification: Uncertain significance. Last evaluated: 2017-10-10. Review status: criteria provided, single submitter. Criteria: GeneDx Variant Classification (06012015). Collection method: clinical testing. Allele origin: germline. Affected: yes.
Comment: The I208S variant in the PSAP gene has not been reported previously as a pathogenic variant, nor as a benign variant, to our knowledge. The I208S variant is observed in 160/34420 (0.46%) alleles from individuals of Latino background, in the ExAC dataset, an individuals were reported to be homozygous (Lek et al., 2016). The I208S variant is a non-conservative amino acid substitution, which is likely to impact secondary protein structure as these residues differ in polarity, charge, size and/or other properties. This substitution occurs at a position that is not conserved. In silico analysis is inconsistent in its predictions as to whether or not the variant is damaging to the protein structure/function. We interpret I208S as a variant of uncertain significance.

Center for Pediatric Genomic Medicine, Children's Mercy Hospital and Clinics
Classification: Uncertain significance. Last evaluated: 2017-03-09. Review status: criteria provided, single submitter. Criteria: ACMG Guidelines, 2015. Collection method: clinical testing. Allele origin: germline.

PreventionGenetics, part of Exact Sciences
Classification: Likely benign for PSAP-related condition. Last evaluated: 2022-08-05. Review status: no assertion criteria provided. Collection method: clinical testing. Allele origin: germline. Not counted in ClinVar's aggregate classification.
Comment: This variant is classified as likely benign based on ACMG/AMP sequence variant interpretation guidelines (Richards et al. 2015 PMID: 25741868, with internal and published modifications).

Natera, Inc.
Classification: Likely benign for Metachromatic leukodystrophy. Last evaluated: 2019-11-11. Review status: no assertion criteria provided. Collection method: clinical testing. Allele origin: germline. Not counted in ClinVar's aggregate classification.

NM_002778.4(PSAP):c.623T>G (p.Ile208Ser)

Gene: PSAP (prosaposin; minus strand). Cytogenetic location: 10q22.1.
Variant type: single nucleotide variant.
Coding change: c.623T>G on transcript NM_002778.4 (MANE Select); coding-DNA position 623, T replaced by G.
Protein change: p.Ile208Ser; replaces isoleucine 208 with serine.
Molecular consequence: missense variant.
Genome position (GRCh38, 1-based): chr10:71,828,111, A>C on the plus strand (T>G on the coding strand, the complement: PSAP is on the minus strand). VCF-style: chr10-71828111-A-C. GRCh37 (hg19) VCF-style: chr10-73587868-A-C.
Other names: c.623T>G, p.Ile208Ser (NM_001042465.3, NM_001042466.3); short protein forms I208S.
Identifiers: ClinVar variation 445595 (VCV000445595.17), dbSNP rs200319381, ClinGen allele CA5547714.